The following is an entry in ClinVar:

ClinVar aggregate classification (germline): Uncertain significance (1 of 4 stars; one submission).

Submission:

Labcorp Genetics (formerly Invitae), Labcorp
Classification: Uncertain significance. Last evaluated: 2024-09-16. Review status: criteria provided, single submitter. Criteria: Invitae Variant Classification Sherloc (09022015). Collection method: clinical testing. Allele origin: germline.
Comment: This sequence change replaces arginine, which is basic and polar, with lysine, which is basic and polar, at codon 284 of the TNFRSF6B protein (p.Arg284Lys). This variant is not present in population databases (gnomAD no frequency). This variant has not been reported in the literature in individuals affected with TNFRSF6B-related conditions. An algorithm developed to predict the effect of missense changes on protein structure and function outputs the following: PolyPhen-2: "Benign". The lysine amino acid residue is found in multiple mammalian species, which suggests that this missense change does not adversely affect protein function. In summary, the available evidence is currently insufficient to determine the role of this variant in disease. Therefore, it has been classified as a Variant of Uncertain Significance.

NM_003823.4(TNFRSF6B):c.851G>A (p.Arg284Lys)

Genes: RTEL1-TNFRSF6B (RTEL1-TNFRSF6B readthrough (NMD candidate); plus strand), TNFRSF6B (TNF receptor superfamily member 6b; plus strand). Cytogenetic location: 20q13.33.
Variant type: single nucleotide variant.
Coding change: c.851G>A on transcript NM_003823.4 (MANE Select); coding-DNA position 851, G replaced by A.
Protein change: p.Arg284Lys; replaces arginine 284 with lysine.
Molecular consequence: missense variant. On other transcripts: non-coding transcript variant (1).
Genome position (GRCh38, 1-based): chr20:63,698,511, G>A. VCF-style: chr20-63698511-G-A. GRCh37 (hg19) VCF-style: chr20-62329864-G-A.
Other names: short protein forms R284K.
Identifiers: ClinVar variation 3640933 (VCV003640933.2).